The following is an entry in ClinVar:

ClinVar aggregate classification (germline): Uncertain significance (1 of 4 stars; one submission).

Conditions:
B-cell immunodeficiency, distal limb anomalies, and urogenital malformations. Also called: BILU SYNDROME; HOFFMAN SYNDROME. Identifiers: Orphanet 567502, MedGen C1836437, MONDO:0012243, OMIM 609296.

Submission:

Mendelics
Classification: Uncertain significance for B-cell immunodeficiency, distal limb anomalies, and urogenital malformations. Last evaluated: 2026-03-05. Review status: criteria provided, single submitter. Criteria: ACMG Guidelines, 2015. Collection method: clinical testing. Allele origin: unknown.
Comment: The available evidence is insufficient to conclusively determine the role of this variant. Therefore, it is classified as a Variant of Uncertain Significance.

NM_001330700.2(TOP2B):c.627_628del (p.His209fs)

Gene: TOP2B (DNA topoisomerase II beta; minus strand). Cytogenetic location: 3p24.2.
Variant type: Microsatellite.
Coding change: c.627_628del on transcript NM_001330700.2 (MANE Select); coding-DNA positions 627 to 628, 2 bases deleted (CA; older notation c.627_628delCA).
Protein change: p.His209fs; shifts the reading frame from histidine 209.
Molecular consequence: frameshift variant.
Genome position (GRCh38, 1-based): chr3:25,637,226-25,637,227, TG deleted on the plus strand (CA on the coding strand, the reverse complement: TOP2B is on the minus strand); deleting any 2 consecutive bases within chr3:25,637,226-25,637,230 gives the same sequence; the c. name uses the placement nearest the transcript's 3' end. VCF-style (leftmost placement, unchanged base first): chr3-25637225-CTG-C. GRCh37 (hg19) VCF-style: chr3-25678716-CTG-C.
Other names: c.612_613del, p.His204fs (NM_001068.3); short protein forms H204fs, H209fs.
Identifiers: ClinVar variation 4813575 (VCV004813575.1).